The following is an entry in ClinVar:

NM_000135.4(FANCA):c.97del (p.Glu33fs)

Gene: FANCA (FA complementation group A; minus strand). Cytogenetic location: 16q24.3.
Variant type: Deletion.
Coding change: c.97del on transcript NM_000135.4 (MANE Select); coding-DNA position 97, one base deleted (G; older notation c.97delG).
Protein change: p.Glu33fs; shifts the reading frame from glutamic acid 33.
Molecular consequence: frameshift variant.
Genome position (GRCh38, 1-based): chr16:89,815,969, C deleted on the plus strand (G on the coding strand, the reverse complement: FANCA is on the minus strand); the first of 3 consecutive C bases (chr16:89,815,969-89,815,971); deleting any one gives the same sequence. VCF-style (leftmost placement, unchanged base first): chr16-89815968-TC-T. GRCh37 (hg19) VCF-style: chr16-89882376-TC-T.
Other names: c.97del (NM_000135.3, NM_000135.2, LRG_495t1); c.97del, p.Glu33fs (NM_001018112.3, NM_001286167.3, NM_001351830.2); short protein forms E33fs.
Identifiers: ClinVar variation 188362 (VCV000188362.12), dbSNP rs786204238, ClinGen allele CA334725.
Genomic context (GRCh38, chr16:89,815,968, plus strand): 5'-CTTCGCAGGAGGCGCACAGCTGATTCCTTTAATTTCTGTGCCCTTTCAGGATTATATTTT[TC>T]CCTCTTGACCCTTCCCGCTACGGAGAGAAGTCGGTTCGAAACCATCACAGCACAATTCAC-3'

ClinVar aggregate classification (germline): Pathogenic. Review status: criteria provided, multiple submitters, no conflicts (2 of 4 stars). 4 submissions from 4 submitters: Pathogenic (3). 1 of the submissions does not count toward it. Last evaluated 2023-03-28.

Conditions:
Fanconi anemia (FA). Also called: Fanconi's anemia. Identifiers: Orphanet 84, MedGen C0015625, MeSH D005199, MONDO:0019391.
Fanconi anemia complementation group A (FANCA). Also called: FANCA-Related Fanconi Anemia; Fanconi anemia, group A. Identifiers: Orphanet 84, MedGen C3469521, MONDO:0009215, OMIM 227650.

Submissions (4):

Baylor Genetics
Classification: Pathogenic for Fanconi anemia complementation group A. Last evaluated: 2023-03-28. Review status: criteria provided, single submitter. Criteria: ACMG Guidelines, 2015. Collection method: clinical testing. Allele origin: unknown.

Labcorp Genetics (formerly Invitae), Labcorp
Classification: Pathogenic for Fanconi anemia. Last evaluated: 2023-02-20. Review status: criteria provided, single submitter. Criteria: Invitae Variant Classification Sherloc (09022015). Collection method: clinical testing. Allele origin: germline.
Comment: For these reasons, this variant has been classified as Pathogenic. ClinVar contains an entry for this variant (Variation ID: 188362). This variant has not been reported in the literature in individuals affected with FANCA-related conditions. This variant is not present in population databases (gnomAD no frequency). This sequence change creates a premature translational stop signal (p.Glu33Lysfs*11) in the FANCA gene. It is expected to result in an absent or disrupted protein product. Loss-of-function variants in FANCA are known to be pathogenic (PMID: 19367192).

Quest Diagnostics Nichols Institute San Juan Capistrano
Classification: Pathogenic. Last evaluated: 2023-01-17. Review status: criteria provided, single submitter. Criteria: Quest Diagnostics criteria. Collection method: clinical testing. Allele origin: unknown.
Comment: This frameshift variant alters the translational reading frame of the FANCA mRNA and causes the premature termination of FANCA protein synthesis. This variant has not been reported in large, multi-ethnic general populations. In the published literature, the variant has been reported in an individual with Fanconi Anemia (PMID: 28717661 (2017)). Based on the available information, this variant is classified as pathogenic.

Leiden Open Variation Database
Classification: Pathogenic for Fanconi anemia complementation group A. Last evaluated: 2020-02-28. Review status: no assertion criteria provided. Collection method: curation. Allele origin: germline. Affected: yes. Not counted in ClinVar's aggregate classification.
Comment: Curator: Arleen D. Auerbach. Submitter to LOVD: Daniela Pilonetto.

Literature cited by the submitters: PubMed 19367192 (cited by Labcorp Genetics (formerly Invitae), Labcorp); PubMed 28717661 (cited by Quest Diagnostics Nichols Institute San Juan Capistrano).